The following continues an entry in ClinVar:

NM_000059.4(BRCA2):c.9501+3A>T

Gene: BRCA2. ClinVar aggregate classification (germline): Benign. Benign (1).

Submissions 11 to 27 of 38:

Women's Health and Genetics/Laboratory Corporation of America, LabCorp
Classification: Benign. Last evaluated: 2022-12-12. Review status: criteria provided, single submitter. Criteria: LabCorp Variant Classification Summary - May 2015. Collection method: clinical testing. Allele origin: germline. Not counted in ClinVar's aggregate classification.
Comment: Variant summary: BRCA2 c.9501+3A>T alters a conserved nucleotide located close to a canonical splice site and therefore could affect mRNA splicing, leading to a significantly altered protein sequence. Several computational tools predict a significant impact on normal splicing: Three predict the variant weakens a canonical 5' donor site and one predicts the variant abolishes a canonical 5' splicing donor site. These predictions are supported by multiple functional studies that showed exon 25 was skipped (e.g. Bonnet_2008). However, several of these studies found that only a small fraction of transcript skipped exon 25, thereby calling into question the clinical relevance of the variant (e.g. Acedo_2014). In further contrast, a recently published study evaluating RNA genetic testing to re-classify splice variants has reported that this variant has no impact on splicing in accordance with the ACMG BS3 gudeline specification supporting its re-classification as likely benign (Karam_2019). The variant allele was found at a frequency of 0.00012 in 251052 control chromosomes, predominantly at a frequency of 0.0002 within the Non-Finnish European subpopulation in the gnomAD database. This frequency is not higher than expected for a pathogenic variant in BRCA2 causing Hereditary Breast And Ovarian Cancer Syndrome (0.00012 vs 0.00075), allowing no conclusion about variant significance. 6 heterozygous European American women over the age of 70 with no history of cancer (carrier frequency = 0.0008191) were found in a seperate dataset (FLOSSIES). c.9501+3A>T has been reported in the literature in individuals affected with breast cancer (e.g. Capalbo_2006, Whiley_2011, van der Hout_2006, Pajares_2018). In a recent report from Caputo_2021, the authors assigned an IARC classification of "1-benign" to the variant from their multifactorial likelihood analysis which incorporated co-segregation data from several unrelated French families. Multiple co-occurrences with other pathogenic variants have been reported in the UMD database and also observed in our laboratory and the literature (examples, UMD-BRCA2 c.5796_5797delTA, p.His1932GlnfsX12; BRCA2 c.2957dup, p.Asn986LysfsX2; BRCA1 c.1266T>G, p.Tyr422X; our laboratory-BRCA1 c.5153-2del; Karam_2019, an unspecified observation in trans with a pathogenic mutation in an individual without biallelic disease), providing supporting evidence for a benign role. Sixteen ClinVar submitters, including one expert panel (ENIGMA), have assessed the variant since 2014: nine classified the variant as uncertain significance, five as likely benign, and two as benign. Among these, the expert panel settled on a benign classification. Based on the evidence outlined above, the variant was classified as benign.

Color Diagnostics, LLC DBA Color Health
Classification: Likely benign for Hereditary cancer-predisposing syndrome. Last evaluated: 2022-05-10. Review status: criteria provided, single submitter. Criteria: ACMG Guidelines, 2015. Collection method: clinical testing. Allele origin: germline. Not counted in ClinVar's aggregate classification.

National Health Laboratory Service, Universitas Academic Hospital and University of the Free State
Classification: Uncertain significance for Hereditary breast ovarian cancer syndrome. Last evaluated: 2022-04-19. Review status: criteria provided, single submitter. Criteria: ACMG Guidelines, 2015. Collection method: clinical testing. Allele origin: germline. Affected: yes. Observed: 1 variant allele. Not counted in ClinVar's aggregate classification.

Fulgent Genetics
Classification: Benign for Familial cancer of breast; Medulloblastoma; Familial prostate cancer; Wilms tumor 1; Fanconi anemia complementation group D1; Breast-ovarian cancer, familial, susceptibility to, 2; Glioma susceptibility 3; Pancreatic cancer, susceptibility to, 2. Last evaluated: 2022-03-30. Review status: criteria provided, single submitter. Criteria: ACMG Guidelines, 2015. Collection method: clinical testing. Allele origin: unknown. Not counted in ClinVar's aggregate classification.

Genetics Program, Instituto Nacional de Cancer
Classification: Likely benign for Hereditary breast ovarian cancer syndrome. Last evaluated: 2021-11-01. Review status: criteria provided, single submitter. Criteria: ACMG Guidelines, 2015. Collection method: research. Allele origin: germline. Affected: yes. Not counted in ClinVar's aggregate classification.

CeGaT Center for Human Genetics Tuebingen
Classification: Uncertain significance. Last evaluated: 2021-02-01. Review status: criteria provided, single submitter. Criteria: CeGaT Center For Human Genetics Tuebingen Variant Classification Criteria Version 2. Collection method: clinical testing. Allele origin: germline. Affected: yes. Observed: 1 variant allele. Not counted in ClinVar's aggregate classification.

Mayo Clinic Laboratories, Mayo Clinic
Classification: Uncertain significance. Last evaluated: 2019-08-17. Review status: criteria provided, single submitter. Criteria: ACMG Guidelines, 2015. Collection method: clinical testing. Allele origin: germline. Observed: 1 variant allele. Not counted in ClinVar's aggregate classification.

Ambry Genetics
Classification: Likely benign for Hereditary cancer-predisposing syndrome. Last evaluated: 2019-03-08. Review status: criteria provided, single submitter. Criteria: Ambry Variant Classification Scheme 2023. Collection method: clinical testing. Allele origin: germline. Not counted in ClinVar's aggregate classification.

GeneDx
Classification: Uncertain significance. Last evaluated: 2017-09-05. Review status: criteria provided, single submitter. Criteria: GeneDx Variant Classification (06012015). Collection method: clinical testing. Allele origin: germline. Affected: yes. Not counted in ClinVar's aggregate classification.
Comment: This variant is denoted BRCA2 c.9501+3A>T or IVS25+3A>T and consists of an A>T nucleotide substitution at the +3 position of intron 25 of the BRCA2 gene. This variant, also known as 9729+3A>T using alternate nomenclature, has been observed in breast and/or ovarian cancer families (Capalbo 2006, Papi 2009, Borg 2010, Gabald? Barrios 2017). In vitro and in vivo RNA studies report that BRCA2 c.9501+3A>T results in skipping of exon 25 (Bonnet 2008, Papi 2009, Borg 2010, Whiley 2011). In addition, the Evidence-Based Network for the Interpretation of Germline Mutant Alleles (ENIGMA) Splicing Working Group concluded that BRCA2 c.9501+3A>T produces unequivocal splicing aberrations (Whiley 2014). However, a minigene splicing assay quantified the aberrant splicing and found that this variant results in less than 15% aberrant transcript, meaning that the full length transcript is predominant (Acedo 2015). Additionally, the adenine (A) nucleotide that is altered is not conserved. BRCA2 c.9501+3A>T was observed at an allele frequency of 0.02% (16/66,618) in individuals of European (Non-Finnish) ancestry in large population cohorts (Lek 2016). Despite BRCA2 c.9501+3A>T being proven to result in skipping of exon 25, we are unable to predict the clinical impact of this variant given that the normal transcript appears to be more abundant. Thus, we consider it to be a variant of uncertain significance.

Clinical Genetics DNA and cytogenetics Diagnostics Lab, Erasmus MC, Erasmus Medical Center
Classification: Likely benign for Breast-ovarian cancer, familial, susceptibility to, 2. Last evaluated: 2017-05-31. Review status: criteria provided, single submitter. Criteria: ACGS Guidelines, 2013. Collection method: clinical testing. Allele origin: germline. Affected: yes. Study: VKGL Data-share Consensus. Not counted in ClinVar's aggregate classification.

Illumina Laboratory Services, Illumina
Classification: Uncertain significance for Breast-ovarian cancer, familial, susceptibility to, 2. Last evaluated: 2017-04-27. Review status: criteria provided, single submitter. Criteria: ICSL Variant Classification Criteria 13 December 2019. Collection method: clinical testing. Allele origin: germline. Not counted in ClinVar's aggregate classification.
Comment: This variant was observed as part of a predisposition screen in an ostensibly healthy population. A literature search was performed for the gene, cDNA change, and amino acid change (where applicable). Publications were found based on this search. However, the evidence from the literature, in combination with allele frequency data from public databases where available, was not sufficient to rule this variant in or out of causing disease. Therefore, this variant is classified as a variant of unknown significance.

Molecular Genetics Laboratory, University of Michigan
Classification: Uncertain significance for Breast-ovarian cancer, familial, susceptibility to, 2. Last evaluated: 2014-11-03. Review status: criteria provided, single submitter. Criteria: ACMG Guidelines, 2015. Collection method: clinical testing. Allele origin: germline. Affected: yes. Not counted in ClinVar's aggregate classification.

Genome Diagnostics Laboratory, University Medical Center Utrecht
Classification: Likely benign for Breast-ovarian cancer, familial, susceptibility to, 2. Last evaluated: 2014-10-09. Review status: criteria provided, single submitter. Criteria: ACGS Guidelines, 2013. Collection method: clinical testing. Allele origin: germline. Affected: yes. Study: VKGL Data-share Consensus. Not counted in ClinVar's aggregate classification.

Department of Medical and Surgical Sciences, University of Bologna
Classification: Benign for Breast-ovarian cancer, familial, susceptibility to, 2. Last evaluated: 2023-09-01. Review status: no assertion criteria provided. Collection method: clinical testing. Allele origin: germline. Affected: yes. Not counted in ClinVar's aggregate classification.
Comment: BS1(Strong)+BP5(Very Strong) according to ACMG/AMP classification guidelines specified for BRCA1 & BRCA2 (Classification Criteria V1.0.0 2023-09-08) (PMID: 38160042)

PreventionGenetics, part of Exact Sciences
Classification: Likely benign for BRCA2-related condition. Last evaluated: 2022-12-13. Review status: no assertion criteria provided. Collection method: clinical testing. Allele origin: germline. Not counted in ClinVar's aggregate classification.
Comment: This variant is classified as likely benign based on ACMG/AMP sequence variant interpretation guidelines (Richards et al. 2015 PMID: 25741868, with internal and published modifications).

BRCAlab, Lund University
Classification: Benign for Breast-ovarian cancer, familial, susceptibility to, 2. Last evaluated: 2020-03-02. Review status: no assertion criteria provided. Collection method: clinical testing. Allele origin: germline. Affected: yes. Not counted in ClinVar's aggregate classification.

Hereditary Cancer Genetics group, Vall d'Hebron Institute of Oncology
Classification: Uncertain significance for Hereditary breast and ovarian cancer syndrome. Last evaluated: 2019-03-01. Review status: no assertion criteria provided. Collection method: research. Allele origin: germline. Affected: yes. Not counted in ClinVar's aggregate classification.